The following is an entry in ClinVar:

NM_001142864.4(PIEZO1):c.1678C>T (p.Arg560Trp)

Genes: HSALR1 (HSP90AB1 associated lncRNA 1; plus strand), PIEZO1 (piezo type mechanosensitive ion channel component 1 (Er blood group); minus strand). Cytogenetic location: 16q24.3.
Variant type: single nucleotide variant.
Coding change: c.1678C>T on transcript NM_001142864.4 (MANE Select); coding-DNA position 1678, C replaced by T.
Protein change: p.Arg560Trp; replaces arginine 560 with tryptophan.
Molecular consequence: missense variant.
Genome position (GRCh38, 1-based): chr16:88,735,045, G>A on the plus strand (C>T on the coding strand, the complement: PIEZO1 is on the minus strand). VCF-style: chr16-88735045-G-A. GRCh37 (hg19) VCF-style: chr16-88801453-G-A.
Other names: p.Arg560Trp; c.1678C>T (NM_001142864.3, NM_001142864.2); short protein forms R560W.
Identifiers: ClinVar variation 3380434 (VCV003380434.5).

ClinVar aggregate classification (germline): Uncertain significance. Review status: criteria provided, multiple submitters, no conflicts (2 of 4 stars). 5 submissions from 5 submitters: Uncertain significance (5). Last evaluated 2026-08-31.

Conditions:
Inborn genetic diseases. Identifiers: MedGen C0950123, MeSH D030342.
PIEZO1-related disorder. Also called: PIEZO1-related condition; PIEZO1-Related Disorders.
Lymphatic malformation 6 (LMPHM6). Also called: GENERALIZED LYMPHATIC DYSPLASIA OF FOTIOU; Lymphedema, hereditary, III; PIEZO1-related generalized lymphatic dysplasia with non-immune hydrops fetalis. Identifiers: Orphanet 568062, MedGen C4225184, MONDO:0014797, OMIM 616843.

Submissions (5):

PreventionGenetics, part of Exact Sciences
Classification: Uncertain significance for PIEZO1-related condition. Last evaluated: 2026-08-31. Review status: criteria provided, single submitter. Criteria: ACMG Guidelines, 2015. Collection method: clinical testing. Allele origin: germline.
Comment: The PIEZO1 c.1678C>T variant is predicted to result in the amino acid substitution p.Arg560Trp. To our knowledge, this variant has not been reported in the literature. This variant is reported in 0.018% of alleles in individuals of East Asian descent in gnomAD. At this time, the clinical significance of this variant is uncertain due to the absence of conclusive functional and genetic evidence.

GeneDx
Classification: Uncertain significance. Last evaluated: 2024-11-18. Review status: criteria provided, single submitter. Criteria: GeneDx Variant Classification Process June 2021. Collection method: clinical testing. Allele origin: germline. Affected: yes.
Comment: In silico analysis supports that this missense variant has a deleterious effect on protein structure/function; Has not been previously published as pathogenic or benign to our knowledge

Clinical Genomics Laboratory, Washington University in St. Louis
Classification: Uncertain significance for Lymphatic malformation 6. Last evaluated: 2024-10-10. Review status: criteria provided, single submitter. Criteria: ACMG Guidelines, 2015. Collection method: clinical testing. Allele origin: germline.
Comment: A PIEZO1 c.1678C>T (p.Arg560Trp) variant was identified at a near heterozygous allelic fraction of 49.70%, a frequency that may be consistent with germline origin. This variant, to our knowledge, has not been reported in the medical literature and is only observed on 65/1,550,256 alleles in the general population (gnomAD v.4.1.0). Computational predictors suggest that the variant does not impact PIEZO1 function. Due to limited information and based on ACMG/AMP guidelines for variant interpretation (Richards S et al., PMID: 25741868), the clinical significance of the PIEZO1 c.1678C>T (p.Arg560Trp) variant is uncertain at this time.

Ambry Genetics
Classification: Uncertain significance for Inborn genetic diseases. Last evaluated: 2024-07-26. Review status: criteria provided, single submitter. Criteria: Ambry Variant Classification Scheme 2023. Collection method: clinical testing. Allele origin: germline.

Mayo Clinic Laboratories, Mayo Clinic
Classification: Uncertain significance. Last evaluated: 2024-03-01. Review status: criteria provided, single submitter. Criteria: ACMG Guidelines, 2015. Collection method: clinical testing. Allele origin: germline. Observed: 1 variant allele.
Comment: BP4